The following is an entry in ClinVar:

ClinVar aggregate classification (germline): Likely pathogenic (0 of 4 stars; one submission).

Conditions:
Lysinuric protein intolerance (LPI). Identifiers: Orphanet 470, MedGen C0268647, MONDO:0009109, OMIM 222700.

gnomAD v4.1: 1 of 1,613,508 alleles (0.000062%); highest among the groups gnomAD compares: South Asian, 0.0011%; no homozygotes.

Submission:

Juha Muilu Group; Institute for Molecular Medicine Finland (FIMM)
Classification: Likely pathogenic for Lysinuric protein intolerance. Review status: no assertion criteria provided. Collection method: not provided. Allele origin: unknown.
Comment: FinDis database variant: This variant was not found or characterized by our laboratory, data were collected from public sources: see reference
ClinVar note: Converted during submission from probable-pathogenic to Likely pathogenic.

NM_003982.4(SLC7A7):c.1093A>T (p.Asn365Tyr)

Gene: SLC7A7 (solute carrier family 7 member 7; minus strand). Cytogenetic location: 14q11.2.
Variant type: single nucleotide variant.
Coding change: c.1093A>T on transcript NM_003982.4 (MANE Select); coding-DNA position 1093, A replaced by T.
Protein change: p.Asn365Tyr; replaces asparagine 365 with tyrosine.
Molecular consequence: missense variant.
Genome position (GRCh38, 1-based): chr14:22,775,446, T>A on the plus strand (A>T on the coding strand, the complement: SLC7A7 is on the minus strand). VCF-style: chr14-22775446-T-A. GRCh37 (hg19) VCF-style: chr14-23244655-T-A.
Other names: c.1093A>T, p.Asn365Tyr (NM_001126105.3, NM_001126106.4); short protein forms N365Y.
Identifiers: ClinVar variation 56349 (VCV000056349.2), dbSNP rs386833797, ClinGen allele CA263766.